The following is an entry in ClinVar:

ClinVar aggregate classification (germline): Uncertain significance (1 of 4 stars; one submission).

Conditions:
Familial hypercholesterolemia. Also called: Familial hypercholesterolaemia; Familial hypercholesterolemias. Identifiers: MedGen C0020445, MONDO:0005439.

Submission:

Cambridge Genomics Laboratory, East Genomic Laboratory Hub, NHS Genomic Medicine Service
Classification: Uncertain significance for Familial hypercholesterolaemia. Last evaluated: 2026-04-01. Review status: criteria provided, single submitter. Criteria: ACGS Best Practice Guidelines for Variant Classification in Rare Disease 2020. Collection method: clinical testing. Allele origin: germline. Affected: yes.
Comment: PM2,PP4,BP4

NM_000041.4(APOE):c.772C>T (p.Arg258Cys)

Gene: APOE (apolipoprotein E; plus strand). Cytogenetic location: 19q13.32.
Variant type: single nucleotide variant.
Coding change: c.772C>T on transcript NM_000041.4 (MANE Select); coding-DNA position 772, C replaced by T.
Protein change: p.Arg258Cys; replaces arginine 258 with cysteine.
Molecular consequence: missense variant.
Genome position (GRCh38, 1-based): chr19:44,909,068, C>T. VCF-style: chr19-44909068-C-T. GRCh37 (hg19) VCF-style: chr19-45412325-C-T.
Other names: c.850C>T, p.Arg284Cys (NM_001302688.2); c.772C>T, p.Arg258Cys (NM_001302689.2, NM_001302690.2, NM_001302691.2); short protein forms R258C, R284C.
Identifiers: ClinVar variation 4820257 (VCV004820257.1).